The following is an entry in ClinVar:

NM_005035.4(POLRMT):c.1382A>G (p.Tyr461Cys)

Gene: POLRMT (RNA polymerase mitochondrial; minus strand). Cytogenetic location: 19p13.3.
Variant type: single nucleotide variant.
Coding change: c.1382A>G on transcript NM_005035.4 (MANE Select); coding-DNA position 1382, A replaced by G.
Protein change: p.Tyr461Cys; replaces tyrosine 461 with cysteine.
Molecular consequence: missense variant. On other transcripts: non-coding transcript variant (1).
Genome position (GRCh38, 1-based): chr19:622,894, T>C on the plus strand (A>G on the coding strand, the complement: POLRMT is on the minus strand). VCF-style: chr19-622894-T-C. GRCh37 (hg19) VCF-style: chr19-622894-T-C.
Other names: c.1382A>G, p.Tyr461Cys (NM_001407805.1, NM_001407806.1, NM_001407808.1 and 8 more transcripts); c.1370A>G, p.Tyr457Cys (NM_001407807.1, NM_001407810.1); c.1340A>G, p.Tyr447Cys (NM_001407811.1, NM_001407813.1); c.1058A>G, p.Tyr353Cys (NM_001407836.1, NM_001407831.1, NM_001407833.1 and 2 more transcripts); short protein forms Y353C, Y447C, Y457C, Y461C.
Identifiers: ClinVar variation 4886642 (VCV004886642.2).

ClinVar aggregate classification (germline): Uncertain significance (1 of 4 stars; one submission).

Submission:

Dasa
Classification: Uncertain significance. Last evaluated: 2025-05-15. Review status: criteria provided, single submitter. Criteria: DASA Assertion Criteria. Collection method: clinical testing. Allele origin: germline.
Comment: NM_005035.4(POLRMT):c.1382A>G (p.Tyr461Cys) is a missense variant that results in the substitution of tyrosine with cysteine. This variant is absent from population databases. Computational prediction algorithms are consistent with a benign effect. The currently available literature and clinical evidence are not sufficient to establish a definitive association between this variant and the reported condition. Therefore, this variant is classified as a variant of uncertain significance.